The following is an entry in ClinVar:

ClinVar aggregate classification (germline): Uncertain significance. Review status: criteria provided, multiple submitters, no conflicts (2 of 4 stars). 3 submissions from 3 submitters: Uncertain significance (3). Last evaluated 2025-05-13.

Conditions:
Renal cell carcinoma. Identifiers: Orphanet 217071, MedGen C0007134, MeSH D002292, MONDO:0005086, HP:0005584.
Hereditary cancer-predisposing syndrome. Also called: Hereditary Cancer Syndrome; Hereditary neoplastic syndrome; Neoplastic Syndromes, Hereditary; Tumor predisposition. Identifiers: Orphanet 140162, MedGen C0027672, MeSH D009386, MONDO:0015356.

Allele frequency attached by ClinVar (database versions not stated): gnomAD exomes below 0.00001.
gnomAD v4.1: 1 of 1,613,788 alleles (0.000062%); highest among the groups gnomAD compares: Admixed American, 0.0017%; no homozygotes.

Submissions (3):

Labcorp Genetics (formerly Invitae), Labcorp
Classification: Uncertain significance for Renal cell carcinoma. Last evaluated: 2025-05-13. Review status: criteria provided, single submitter. Criteria: Invitae Variant Classification Sherloc (09022015). Collection method: clinical testing. Allele origin: germline.
Comment: This sequence change replaces aspartic acid, which is acidic and polar, with glycine, which is neutral and non-polar, at codon 981 of the MET protein (p.Asp981Gly). This variant is not present in population databases (gnomAD no frequency). This variant has not been reported in the literature in individuals affected with MET-related conditions. ClinVar contains an entry for this variant (Variation ID: 454227). An algorithm developed to predict the effect of missense changes on protein structure and function (PolyPhen-2) suggests that this variant is likely to be disruptive. In summary, the available evidence is currently insufficient to determine the role of this variant in disease. Therefore, it has been classified as a Variant of Uncertain Significance.

Ambry Genetics
Classification: Uncertain significance for Hereditary cancer-predisposing syndrome. Last evaluated: 2024-10-07. Review status: criteria provided, single submitter. Criteria: Ambry Variant Classification Scheme 2023. Collection method: clinical testing. Allele origin: germline.
Comment: The p.D981G variant (also known as c.2942A>G) is located in coding exon 13 of the MET gene. The aspartic acid at codon 981 is replaced by glycine, an amino acid with similar properties. This change occurs in the first base pair of coding exon 13. This amino acid position is highly conserved in available vertebrate species. In addition, this alteration is predicted to be deleterious by in silico analysis. Based on the available evidence, the clinical significance of this variant remains unclear.

Sema4
Classification: Uncertain significance for Hereditary cancer-predisposing syndrome. Last evaluated: 2021-04-22. Review status: criteria provided, single submitter. Criteria: Sema4 Curation Guidelines. Collection method: curation. Allele origin: germline.
Comment: The MET c.2942A>G (p.D981G) variant has not been reported in the literature to our knowledge. It was not observed in the Genome Aggregation Database. The variant has been reported in ClinVar (Variation ID 454227). In silico tools suggest the impact of the variant on protein function is inconclusive, though these predictions have not been confirmed by functional studies. The evidence is insufficient to meet ACMG/AMP criteria for classifying the variant as benign or pathogenic. Thus, the clinical significance of this variant is currently uncertain.

NM_000245.4(MET):c.2888A>G (p.Asp963Gly)

Gene: MET (MET proto-oncogene, receptor tyrosine kinase; plus strand). Cytogenetic location: 7q31.2.
Variant type: single nucleotide variant.
Coding change: c.2888A>G on transcript NM_000245.4 (MANE Select); coding-DNA position 2888, A replaced by G.
Protein change: p.Asp963Gly; replaces aspartic acid 963 with glycine.
Molecular consequence: missense variant.
Genome position (GRCh38, 1-based): chr7:116,771,849, A>G. VCF-style: chr7-116771849-A-G. GRCh37 (hg19) VCF-style: chr7-116411903-A-G.
Other names: c.2942A>G (LRG_662t1); c.2942A>G, p.Asp981Gly (NM_001127500.3); c.1598A>G, p.Asp533Gly (NM_001324402.2); short protein forms D981G, D533G, D963G.
Identifiers: ClinVar variation 454227 (VCV000454227.9), dbSNP rs1554398360, ClinGen allele CA368986905.